The following is an entry in ClinVar:

ClinVar aggregate classification (germline): Uncertain significance (1 of 4 stars; one submission).

Conditions:
Multiple mitochondrial dysfunctions syndrome 3 (MMDS3). Identifiers: Orphanet 363424, MedGen C3809165, MONDO:0014132, OMIM 615330.
Hereditary spastic paraplegia 74. Also called: Spastic paraplegia 74, autosomal recessive. Identifiers: Orphanet 468661, MedGen C5568837, MONDO:0014644, OMIM 616451.

Allele frequency attached by ClinVar (database versions not stated): ExAC below 0.00001; gnomAD 0.00001; TOPMed 0.00002.

Submission:

Labcorp Genetics (formerly Invitae), Labcorp
Classification: Uncertain significance for Multiple mitochondrial dysfunctions syndrome 3; Hereditary spastic paraplegia 74. Last evaluated: 2019-11-26. Review status: criteria provided, single submitter. Criteria: Invitae Variant Classification Sherloc (09022015). Collection method: clinical testing. Allele origin: germline.
Comment: In summary, the available evidence is currently insufficient to determine the role of this variant in disease. Therefore, it has been classified as a Variant of Uncertain Significance. Algorithms developed to predict the effect of missense changes on protein structure and function are either unavailable or do not agree on the potential impact of this missense change (SIFT: "Tolerated"; PolyPhen-2: "Possibly Damaging"; Align-GVGD: "Class C0"). This variant has not been reported in the literature in individuals with IBA57-related conditions. The frequency data for this variant in the population databases is considered unreliable, as metrics indicate poor data quality at this position in the ExAC database. This sequence change replaces proline with threonine at codon 64 of the IBA57 protein (p.Pro64Thr). The proline residue is moderately conserved and there is a small physicochemical difference between proline and threonine.

NM_001010867.4(IBA57):c.190C>A (p.Pro64Thr)

Gene: IBA57 (iron-sulfur cluster assembly factor IBA57; plus strand). Cytogenetic location: 1q42.13.
Variant type: single nucleotide variant.
Coding change: c.190C>A on transcript NM_001010867.4 (MANE Select); coding-DNA position 190, C replaced by A.
Protein change: p.Pro64Thr; replaces proline 64 with threonine.
Molecular consequence: missense variant.
Genome position (GRCh38, 1-based): chr1:228,166,006, C>A. VCF-style: chr1-228166006-C-A. GRCh37 (hg19) VCF-style: chr1-228353707-C-A.
Other names: short protein forms P64T.
Identifiers: ClinVar variation 844143 (VCV000844143.9), dbSNP rs755628436, ClinGen allele CA1431077.